The following is an entry in ClinVar:

ClinVar aggregate classification (germline): Uncertain significance. Review status: criteria provided, multiple submitters, no conflicts (2 of 4 stars). 5 submissions from 5 submitters: Uncertain significance (5). Last evaluated 2025-10-06.

Conditions:
Amyotrophic lateral sclerosis type 5 (ALS5). Also called: AMYOTROPHIC LATERAL SCLEROSIS 5, JUVENILE. Identifiers: Orphanet 300605, MedGen C1865864, MONDO:0011196, OMIM 602099.
Hereditary spastic paraplegia 11. Also called: Spastic paraplegia, mental retardation and thin corpus callosum; SPASTIC PARAPLEGIA, AUTOSOMAL RECESSIVE, COMPLICATED, WITH THIN CORPUS CALLOSUM; SPASTIC PARAPLEGIA, AUTOSOMAL RECESSIVE, WITH MENTAL IMPAIRMENT AND THIN CORPUS CALLOSUM; Spastic Paraplegia 11; Nakamura Osame syndrome; Autosomal recessive hereditary spastic paraplegia, mental impairment, and thin corpus callosum. Identifiers: Orphanet 2822, MedGen C1858479, MONDO:0011445, OMIM 604360.
Charcot-Marie-Tooth disease axonal type 2X. Also called: CHARCOT-MARIE-TOOTH DISEASE, AXONAL, AUTOSOMAL RECESSIVE, TYPE 2X; CHARCOT-MARIE-TOOTH NEUROPATHY, TYPE 2X. Identifiers: Orphanet 466775, MedGen C5569024, MONDO:0014726, OMIM 616668.
Inborn genetic diseases. Identifiers: MedGen C0950123, MeSH D030342.

Allele frequency attached by ClinVar (database versions not stated): ExAC 0.00006; ESP Exome Variant Server 0.00008; gnomAD exomes 0.00008 and 0.00009; gnomAD 0.00011; TOPMed 0.00011; 1000 Genomes Project 0.00020; 1000 Genomes Project 30x 0.00031.
gnomAD v4.1: 139 of 1,614,186 alleles (0.0086%); highest among the groups gnomAD compares: Non-Finnish European, 0.011%; no homozygotes.

Submissions (5):

Women's Health and Genetics/Laboratory Corporation of America, LabCorp
Classification: Uncertain significance. Last evaluated: 2025-10-06. Review status: criteria provided, single submitter. Criteria: LabCorp Variant Classification Summary - May 2015. Collection method: clinical testing. Allele origin: germline.
Comment: Variant summary: SPG11 c.328A>G (p.Asn110Asp) results in a conservative amino acid change in the encoded protein sequence. Algorithms developed to predict the effect of missense changes on protein structure and function all suggest that this variant is likely to be tolerated. The variant allele was found at a frequency of 7.6e-05 in 251432 control chromosomes. This frequency is not significantly higher than estimated for disease-causing variants in SPG11, allowing no conclusion about variant significance. To our knowledge, no occurrence of c.328A>G in individuals affected with SPG11-related conditions and no experimental evidence demonstrating its impact on protein function have been reported. ClinVar contains an entry for this variant (Variation ID: 241592). Based on the evidence outlined above, the variant was classified as uncertain significance.

GeneDx
Classification: Uncertain significance. Last evaluated: 2024-10-08. Review status: criteria provided, single submitter. Criteria: GeneDx Variant Classification Process June 2021. Collection method: clinical testing. Allele origin: germline. Affected: yes.
Comment: Not observed at significant frequency in large population cohorts (gnomAD); In silico analysis indicates that this missense variant does not alter protein structure/function; Has not been previously published as pathogenic or benign to our knowledge

Labcorp Genetics (formerly Invitae), Labcorp
Classification: Uncertain significance for Hereditary spastic paraplegia 11. Last evaluated: 2022-09-01. Review status: criteria provided, single submitter. Criteria: Invitae Variant Classification Sherloc (09022015). Collection method: clinical testing. Allele origin: germline.
Comment: This sequence change replaces asparagine, which is neutral and polar, with aspartic acid, which is acidic and polar, at codon 110 of the SPG11 protein (p.Asn110Asp). This variant is present in population databases (rs139498464, gnomAD 0.01%). This variant has not been reported in the literature in individuals affected with SPG11-related conditions. ClinVar contains an entry for this variant (Variation ID: 241592). Algorithms developed to predict the effect of missense changes on protein structure and function output the following: SIFT: "Tolerated"; PolyPhen-2: "Benign"; Align-GVGD: "Class C0". The aspartic acid amino acid residue is found in multiple mammalian species, which suggests that this missense change does not adversely affect protein function. Algorithms developed to predict the effect of sequence changes on RNA splicing suggest that this variant may create or strengthen a splice site. In summary, the available evidence is currently insufficient to determine the role of this variant in disease. Therefore, it has been classified as a Variant of Uncertain Significance.

Athena Diagnostics
Classification: Uncertain significance. Last evaluated: 2022-03-29. Review status: criteria provided, single submitter. Criteria: Athena Diagnostics Criteria. Collection method: clinical testing. Allele origin: unknown.

Ambry Genetics
Classification: Uncertain significance for Inborn genetic diseases. Last evaluated: 2021-12-08. Review status: criteria provided, single submitter. Criteria: Ambry Variant Classification Scheme 2023. Collection method: clinical testing. Allele origin: germline.
Comment: The p.N110D variant (also known as c.328A>G), located in coding exon 2 of the SPG11 gene, results from an A to G substitution at nucleotide position 328. The asparagine at codon 110 is replaced by aspartic acid, an amino acid with highly similar properties. This amino acid position is not well conserved in available vertebrate species, and aspartic acid is the reference amino acid in other vertebrate species. In addition, this alteration is predicted to be tolerated by in silico analysis. Since supporting evidence is limited at this time, the clinical significance of this alteration remains unclear.

NM_025137.4(SPG11):c.328A>G (p.Asn110Asp)

Gene: SPG11 (SPG11 vesicle trafficking associated, spatacsin; minus strand). Cytogenetic location: 15q21.1.
Variant type: single nucleotide variant.
Coding change: c.328A>G on transcript NM_025137.4 (MANE Select); coding-DNA position 328, A replaced by G.
Protein change: p.Asn110Asp; replaces asparagine 110 with aspartic acid.
Molecular consequence: missense variant.
Genome position (GRCh38, 1-based): chr15:44,660,546, T>C on the plus strand (A>G on the coding strand, the complement: SPG11 is on the minus strand). VCF-style: chr15-44660546-T-C. GRCh37 (hg19) VCF-style: chr15-44952744-T-C.
Other names: c.328A>G, p.Asn110Asp (NM_001160227.2); short protein forms N110D.
Identifiers: ClinVar variation 241592 (VCV000241592.13), dbSNP rs139498464, ClinGen allele CA7535868.